The following is an entry in ClinVar:

ClinVar aggregate classification (germline): Pathogenic (1 of 4 stars; one submission).

Conditions:
Glycogen storage disease, type IV (GSD4). Also called: AMYLOPECTINOSIS; ANDERSEN DISEASE; BRANCHER DEFICIENCY; CIRRHOSIS, FAMILIAL, WITH DEPOSITION OF ABNORMAL GLYCOGEN; GBE1 DEFICIENCY; GLYCOGEN BRANCHING ENZYME DEFICIENCY. Identifiers: Orphanet 367, MedGen C0017923, MONDO:0009292, OMIM 232500.

Submission:

Myriad Genetics, Inc.
Classification: Pathogenic for Glycogen storage disease, type IV. Last evaluated: 2024-05-14. Review status: criteria provided, single submitter. Criteria: Myriad Autosomal Dominant, Autosomal Recessive and X-Linked Classification Criteria (2023). Collection method: clinical testing. Allele origin: unknown.
Comment: NM_000158.3(GBE1):c.1006_1007del2ins18(F337Sfs*21) is expected to be pathogenic in the context of glycogen storage disease, GBE1-related. This variant is predicted to lead to an abnormal or absent protein product due to the creation of a premature termination codon in GBE1, a gene where loss-of-function variants are known to be pathogenic. Please note: this variant was assessed in the context of healthy population screening.

NM_000158.4(GBE1):c.1006_1007delinsCGATCACAGATGTGTATA (p.Phe337fs)

Gene: GBE1 (1,4-alpha-glucan branching enzyme 1; minus strand). Cytogenetic location: 3p12.2.
Variant type: Indel.
Coding change: c.1006_1007delinsCGATCACAGATGTGTATA on transcript NM_000158.4 (MANE Select); coding-DNA positions 1006 to 1007, AG replaced by CGATCACAGATGTGTATA.
Protein change: p.Phe337fs; shifts the reading frame from phenylalanine 337.
Molecular consequence: frameshift variant.
Genome position (GRCh38, 1-based): chr3:81,594,009-81,594,010, CT replaced by TATACACATCTGTGATCG on the plus strand (AG replaced by CGATCACAGATGTGTATA on the coding strand, the reverse complement: GBE1 is on the minus strand). VCF-style: chr3-81594009-CT-TATACACATCTGTGATCG. GRCh37 (hg19) VCF-style: chr3-81643160-CT-TATACACATCTGTGATCG.
Other names: short protein forms F337fs.
Identifiers: ClinVar variation 5010340 (VCV005010340.1).